The following is an entry in ClinVar:

ClinVar aggregate classification (germline): Benign. Review status: criteria provided, multiple submitters, no conflicts (2 of 4 stars). 4 submissions from 4 submitters: Benign (4). Last evaluated 2026-02-02.

Conditions:
Cone dystrophy with supernormal rod response (CDSRR). Also called: CONE DYSTROPHY WITH SUPERNORMAL ROD RESPONSES. Identifiers: Orphanet 209932, MedGen C1835897, MONDO:0012475, OMIM 610356.

Allele frequency attached by ClinVar (database versions not stated): 1000 Genomes Project 30x 0.02717; gnomAD 0.04286 and 0.04465; gnomAD exomes 0.04732 and 0.03530; 1000 Genomes Project 0.02656; TOPMed 0.04342; ESP Exome Variant Server 0.04685; ExAC 0.03555.

Submissions (4):

Labcorp Genetics (formerly Invitae), Labcorp
Classification: Benign. Last evaluated: 2026-02-02. Review status: criteria provided, single submitter. Criteria: Invitae Variant Classification Sherloc (09022015). Collection method: clinical testing. Allele origin: germline.

Illumina Laboratory Services, Illumina
Classification: Benign for Cone dystrophy with supernormal rod response. Last evaluated: 2018-01-13. Review status: criteria provided, single submitter. Criteria: ICSL Variant Classification Criteria 13 December 2019. Collection method: clinical testing. Allele origin: germline.
Comment: This variant was observed in the ICSL laboratory as part of a predisposition screen in an ostensibly healthy population. It had not been previously curated by ICSL or reported in the Human Gene Mutation Database (HGMD: prior to June 1st, 2018), and was therefore a candidate for classification through an automated scoring system. Utilizing variant allele frequency, disease prevalence and penetrance estimates, and inheritance mode, an automated score was calculated to assess if this variant is too frequent to cause the disease. Based on the score and internal cut-off values, a variant classified as benign is not then subjected to further curation. The score for this variant resulted in a classification of benign for this disease.

Breakthrough Genomics
Classification: Benign. Review status: criteria provided, single submitter. Criteria: ACMG Guidelines, 2015. Collection method: not provided. Allele origin: germline. Inheritance: Autosomal recessive inheritance. Affected: yes.

PreventionGenetics, part of Exact Sciences
Classification: Benign. Review status: criteria provided, single submitter. Criteria: ACMG Guidelines, 2015. Collection method: clinical testing. Allele origin: germline.

NM_133497.4(KCNV2):c.915G>A (p.Val305=)

Gene: KCNV2 (potassium voltage-gated channel modifier subfamily V member 2; plus strand). Cytogenetic location: 9p24.2.
Variant type: single nucleotide variant.
Coding change: c.915G>A on transcript NM_133497.4 (MANE Select); coding-DNA position 915, G replaced by A.
Protein change: p.Val305=; no amino-acid change (valine 305 retained).
Molecular consequence: synonymous variant.
Genome position (GRCh38, 1-based): chr9:2,718,654, G>A. VCF-style: chr9-2718654-G-A. GRCh37 (hg19) VCF-style: chr9-2718654-G-A.
Identifiers: ClinVar variation 262363 (VCV000262363.14), dbSNP rs7859993, ClinGen allele CA4965680.